The following is an entry in ClinVar:

NM_016333.4(SRRM2):c.2736ATC[1] (p.Ser914del)

Gene: SRRM2 (serine/arginine repetitive matrix 2; plus strand). Cytogenetic location: 16p13.3.
Variant type: Microsatellite.
Coding change: c.2736ATC[1] on transcript NM_016333.4 (MANE Select); one copy of the 3-base unit ATC starting at c.2736; the reference has two copies in a row; one copy, 3 bases deleted.
Protein change: p.Ser914del; deletes serine 914.
Genome position (GRCh38, 1-based): chr16:2,763,267-2,763,269, ATC deleted; deleting any 3 consecutive bases within chr16:2,763,262-2,763,269 gives the same sequence; the position shown is the placement nearest the transcript's 3' end. VCF-style (leftmost placement, unchanged base first): chr16-2763261-GTCA-G. GRCh37 (hg19) VCF-style: chr16-2813262-GTCA-G.
Other names: short protein forms S914del.
Identifiers: ClinVar variation 3051481 (VCV003051481.2), dbSNP rs563642887, ClinGen allele CA7847697.
Genomic context (GRCh38, chr16:2,763,261, plus strand): 5'-CTCAGGGTCCTCTCCTCCTAGAGTGAAATCTAGCACACCTCCCAGACAGAGCCCATCTAG[GTCA>G]TCATCTCCACAACCCAAAGTGAAGGCAATAATATCACCAAGACAAAGAAGCCATTCTGGC-3'

ClinVar aggregate classification (germline): Likely benign (0 of 4 stars; one submission).

Conditions:
SRRM2-related disorder. Also called: SRRM2-related condition.

Submission:

PreventionGenetics, part of Exact Sciences
Classification: Likely benign for SRRM2-related condition. Last evaluated: 2022-07-06. Review status: no assertion criteria provided. Collection method: clinical testing. Allele origin: germline.
Comment: This variant is classified as likely benign based on ACMG/AMP sequence variant interpretation guidelines (Richards et al. 2015 PMID: 25741868, with internal and published modifications).